The following is an entry in ClinVar:

ClinVar aggregate classification (germline): Uncertain significance (1 of 4 stars; one submission).

gnomAD v4.1: 2 of 1,614,172 alleles (0.00012%); highest among the groups gnomAD compares: Non-Finnish European, 0.00017%; no homozygotes.

Submission:

Labcorp Genetics (formerly Invitae), Labcorp
Classification: Uncertain significance. Last evaluated: 2023-07-17. Review status: criteria provided, single submitter. Criteria: Invitae Variant Classification Sherloc (09022015). Collection method: clinical testing. Allele origin: germline.
Comment: In summary, the available evidence is currently insufficient to determine the role of this variant in disease. Therefore, it has been classified as a Variant of Uncertain Significance. Algorithms developed to predict the effect of missense changes on protein structure and function output the following: SIFT: "Not Available"; PolyPhen-2: "Benign"; Align-GVGD: "Not Available". The methionine amino acid residue is found in multiple mammalian species, which suggests that this missense change does not adversely affect protein function. ClinVar contains an entry for this variant (Variation ID: 2037641). This variant has not been reported in the literature in individuals affected with LRIT3-related conditions. This variant is not present in population databases (gnomAD no frequency). This sequence change replaces valine, which is neutral and non-polar, with methionine, which is neutral and non-polar, at codon 454 of the LRIT3 protein (p.Val454Met).

NM_198506.5(LRIT3):c.1360G>A (p.Val454Met)

Gene: LRIT3 (leucine rich repeat, Ig-like and transmembrane domains 3; plus strand). Cytogenetic location: 4q25.
Variant type: single nucleotide variant.
Coding change: c.1360G>A on transcript NM_198506.5 (MANE Select); coding-DNA position 1360, G replaced by A.
Protein change: p.Val454Met; replaces valine 454 with methionine.
Molecular consequence: missense variant.
Genome position (GRCh38, 1-based): chr4:109,870,109, G>A. VCF-style: chr4-109870109-G-A. GRCh37 (hg19) VCF-style: chr4-110791265-G-A.
Other names: short protein forms V454M.
Identifiers: ClinVar variation 2037641 (VCV002037641.4), dbSNP rs1734790124, ClinGen allele CA357870873.